The following is an entry in ClinVar:

ClinVar aggregate classification (germline): Benign/Likely benign. Review status: criteria provided, multiple submitters, no conflicts (2 of 4 stars). 6 submissions from 6 submitters: Benign (1); Likely benign (5). Last evaluated 2026-02-18.

Conditions:
PALB2-related disorder. Also called: PALB2-related disorders; PALB2-related condition.
Familial cancer of breast. Also called: BREAST CANCER, FAMILIAL; Hereditary breast cancer; hereditary breast carcinoma. Identifiers: Orphanet 227535, MedGen C0346153, MONDO:0016419, OMIM 114480. Disease mechanism: loss of function.
Hereditary cancer-predisposing syndrome. Also called: Hereditary Cancer Syndrome; Tumor predisposition; Hereditary neoplastic syndrome; Neoplastic Syndromes, Hereditary. Identifiers: Orphanet 140162, MedGen C0027672, MeSH D009386, MONDO:0015356.

Allele frequency attached by ClinVar (database versions not stated): TOPMed 0.00001.
gnomAD v4.1: 2 of 1,614,042 alleles (0.00012%); highest among the groups gnomAD compares: Admixed American, 0.0033%; no homozygotes.

Submissions (6):

PreventionGenetics, part of Exact Sciences
Classification: Likely benign for PALB2-related condition. Last evaluated: 2026-02-18. Review status: criteria provided, single submitter. Criteria: ACMG Guidelines, 2015. Collection method: clinical testing. Allele origin: germline.
Comment: This variant is classified as likely benign based on ACMG/AMP sequence variant interpretation guidelines (Richards et al. 2015 PMID: 25741868, with internal and published modifications).

Labcorp Genetics (formerly Invitae), Labcorp
Classification: Likely benign for Familial cancer of breast. Last evaluated: 2025-12-08. Review status: criteria provided, single submitter. Criteria: Invitae Variant Classification Sherloc (09022015). Collection method: clinical testing. Allele origin: germline.

CeGaT Center for Human Genetics Tuebingen
Classification: Likely benign. Last evaluated: 2025-06-01. Review status: criteria provided, single submitter. Criteria: CeGaT Center For Human Genetics Tuebingen Variant Classification Criteria Version 2. Collection method: clinical testing. Allele origin: germline. Affected: yes. Observed: 1 variant allele.
Comment: PALB2: BP4, BP7

Quest Diagnostics Nichols Institute San Juan Capistrano
Classification: Likely benign. Last evaluated: 2025-02-01. Review status: criteria provided, single submitter. Criteria: Quest Diagnostics criteria. Collection method: clinical testing. Allele origin: unknown.

Myriad Genetics, Inc.
Classification: Benign for Familial cancer of breast. Last evaluated: 2025-01-15. Review status: criteria provided, single submitter. Criteria: Myriad Autosomal Dominant, Autosomal Recessive and X-Linked Classification Criteria (2023). Collection method: clinical testing. Allele origin: unknown.
Comment: This variant is considered benign. This variant is a silent/synonymous amino acid change and it is not expected to impact splicing.

Ambry Genetics
Classification: Likely benign for Hereditary cancer-predisposing syndrome. Last evaluated: 2020-04-24. Review status: criteria provided, single submitter. Criteria: Ambry Variant Classification Scheme 2023. Collection method: clinical testing. Allele origin: germline.

NM_024675.4(PALB2):c.2148T>C (p.Asn716=)

Gene: PALB2 (partner and localizer of BRCA2; minus strand). Cytogenetic location: 16p12.2.
Variant type: single nucleotide variant.
Coding change: c.2148T>C on transcript NM_024675.4 (MANE Select); coding-DNA position 2148, T replaced by C.
Protein change: p.Asn716=; no amino-acid change (asparagine 716 retained).
Molecular consequence: synonymous variant.
Genome position (GRCh38, 1-based): chr16:23,630,006, A>G on the plus strand (T>C on the coding strand, the complement: PALB2 is on the minus strand). VCF-style: chr16-23630006-A-G. GRCh37 (hg19) VCF-style: chr16-23641327-A-G.
Identifiers: ClinVar variation 751424 (VCV000751424.26), dbSNP rs770145849, ClinGen allele CA279492648.